The following is an entry in ClinVar:

NM_016292.3(TRAP1):c.889-8G>A

Gene: TRAP1 (TNF receptor associated protein 1; minus strand). Cytogenetic location: 16p13.3.
Variant type: single nucleotide variant.
Coding change: c.889-8G>A on transcript NM_016292.3 (MANE Select); 8 bases into the intron before coding-DNA position 889, G replaced by A.
Molecular consequence: intron variant.
Genome position (GRCh38, 1-based): chr16:3,674,502, C>T on the plus strand (G>A on the coding strand, the complement: TRAP1 is on the minus strand). VCF-style: chr16-3674502-C-T. GRCh37 (hg19) VCF-style: chr16-3724503-C-T.
Other names: c.730-8G>A (NM_001272049.2); c.889-8G>A (NM_016292.2).
Identifiers: ClinVar variation 2080649 (VCV002080649.5), dbSNP rs374813792, ClinGen allele CA7868395.
Genomic context (GRCh38, chr16:3,674,502, plus strand): 5'-AACTCCTCATGTTGCCACTCACGGACATCCTTGGGGTCCATCATCCAGATGGCCTGGAAA[C>T]GGAGATCGGCGGGGAGGGCGTCGTGTTCACCACGCACGTCTTCTCCACCACCGTGCAGGC-3'

ClinVar aggregate classification (germline): Likely benign. Review status: criteria provided, multiple submitters, no conflicts (2 of 4 stars). 2 submissions from 2 submitters: Likely benign (2). Last evaluated 2024-11-07.

Conditions:
TRAP1-related disorder. Also called: TRAP1-related condition.

Allele frequency attached by ClinVar (database versions not stated): gnomAD 0.00007; ESP Exome Variant Server 0.00008; TOPMed 0.00009.
gnomAD v4.1: 186 of 1,613,280 alleles (0.012%); highest among the groups gnomAD compares: Middle Eastern, 0.033%; 2 homozygotes.

Submissions (2):

PreventionGenetics, part of Exact Sciences
Classification: Likely benign for TRAP1-related condition. Last evaluated: 2024-11-07. Review status: criteria provided, single submitter. Criteria: ACMG Guidelines, 2015. Collection method: clinical testing. Allele origin: germline.
Comment: This variant is classified as likely benign based on ACMG/AMP sequence variant interpretation guidelines (Richards et al. 2015 PMID: 25741868, with internal and published modifications).

Labcorp Genetics (formerly Invitae), Labcorp
Classification: Likely benign. Last evaluated: 2024-04-17. Review status: criteria provided, single submitter. Criteria: Invitae Variant Classification Sherloc (09022015). Collection method: clinical testing. Allele origin: germline.